The following is an entry in ClinVar:

NM_001853.4(COL9A3):c.1727C>T (p.Ala576Val)

Gene: COL9A3 (collagen type IX alpha 3 chain; plus strand). Cytogenetic location: 20q13.33.
Variant type: single nucleotide variant.
Coding change: c.1727C>T on transcript NM_001853.4 (MANE Select); coding-DNA position 1727, C replaced by T.
Protein change: p.Ala576Val; replaces alanine 576 with valine.
Molecular consequence: missense variant.
Genome position (GRCh38, 1-based): chr20:62,837,206, C>T. VCF-style: chr20-62837206-C-T. GRCh37 (hg19) VCF-style: chr20-61468558-C-T.
Other names: short protein forms A576V.
Identifiers: ClinVar variation 2984776 (VCV002984776.3), dbSNP rs1344568540, ClinGen allele CA409599466.

ClinVar aggregate classification (germline): Uncertain significance (1 of 4 stars; one submission).

Allele frequency attached by ClinVar (database versions not stated): gnomAD 0.00001; gnomAD exomes 0.00001.
gnomAD v4.1: 12 of 1,612,328 alleles (0.00074%); highest among the groups gnomAD compares: Non-Finnish European, 0.001%; no homozygotes.

Submission:

Labcorp Genetics (formerly Invitae), Labcorp
Classification: Uncertain significance. Last evaluated: 2025-12-15. Review status: criteria provided, single submitter. Criteria: Invitae Variant Classification Sherloc (09022015). Collection method: clinical testing. Allele origin: germline.
Comment: This sequence change replaces alanine, which is neutral and non-polar, with valine, which is neutral and non-polar, at codon 576 of the COL9A3 protein (p.Ala576Val). This variant is present in population databases (no rsID available, gnomAD 0.0009%). This variant has not been reported in the literature in individuals affected with COL9A3-related conditions. ClinVar contains an entry for this variant (Variation ID: 2984776). Invitae Evidence Modeling of protein sequence and biophysical properties (such as structural, functional, and spatial information, amino acid conservation, physicochemical variation, residue mobility, and thermodynamic stability) indicates that this missense variant is not expected to disrupt COL9A3 protein function with a negative predictive value of 95%. In summary, the available evidence is currently insufficient to determine the role of this variant in disease. Therefore, it has been classified as a Variant of Uncertain Significance.